The following is an entry in ClinVar:

ClinVar aggregate classification (germline): Uncertain significance (1 of 4 stars; one submission).

Conditions:
FG syndrome 4 (FGS4). Identifiers: MedGen C1845546, MONDO:0010318, OMIM 300422.

Submission:

Neuberg Centre For Genomic Medicine, NCGM
Classification: Uncertain significance for FG syndrome 4. Last evaluated: 2023-06-22. Review status: criteria provided, single submitter. Criteria: ACMG Guidelines, 2015. Collection method: clinical testing. Allele origin: germline. Inheritance: X-linked recessive inheritance. Affected: yes.
Comment: The missense c.1447G>C(p.Glu483Gln) variant in CASK gene has not been reported previously as a pathogenic variant nor as a benign variant, to our knowledge. The p.Glu483Gln variant is absent in gnomAD Exomes. This variant has not been submitted to the ClinVar database. Computational evidence (Polyphen - Benign, SIFT - Tolerated and MutationTaster -Disease causing) predicts conflicting evidence on protein structure and function for this variant. The reference amino acid at this position in CASK is predicted as conserved by GERP++ and PhyloP across 100 vertebrates. The amino acid Glu at position 483 is changed to a Gln changing protein sequence and it might alter its composition and physico-chemical properties. For these reasons, this variant has been classified as Variant of Uncertain Significance (VUS).

NM_001367721.1(CASK):c.1447G>C (p.Glu483Gln)

Gene: CASK (calcium/calmodulin dependent serine protein kinase; minus strand). Cytogenetic location: Xp11.4.
Variant type: single nucleotide variant.
Coding change: c.1447G>C on transcript NM_001367721.1 (MANE Select); coding-DNA position 1447, G replaced by C.
Protein change: p.Glu483Gln; replaces glutamic acid 483 with glutamine.
Molecular consequence: missense variant.
Genome position (GRCh38, 1-based): chrX:41,578,396, C>G on the plus strand (G>C on the coding strand, the complement: CASK is on the minus strand). VCF-style: chrX-41578396-C-G. GRCh37 (hg19) VCF-style: chrX-41437649-C-G.
Other names: c.1447G>C, p.Glu483Gln (NM_001126054.3, NM_003688.4); c.1429G>C, p.Glu477Gln (NM_001126055.3, NM_001410745.1); short protein forms E477Q, E483Q.
Identifiers: ClinVar variation 3731514 (VCV003731514.1).